The following is an entry in ClinVar:

NM_012431.3(SEMA3E):c.1827G>A (p.Ala609=)

Gene: SEMA3E (semaphorin 3E; minus strand). Cytogenetic location: 7q21.11.
Variant type: single nucleotide variant.
Coding change: c.1827G>A on transcript NM_012431.3 (MANE Select); coding-DNA position 1827, G replaced by A.
Protein change: p.Ala609=; no amino-acid change (alanine 609 retained).
Molecular consequence: synonymous variant.
Genome position (GRCh38, 1-based): chr7:83,385,342, C>T on the plus strand (G>A on the coding strand, the complement: SEMA3E is on the minus strand). VCF-style: chr7-83385342-C-T. GRCh37 (hg19) VCF-style: chr7-83014658-C-T.
Other names: c.1647G>A, p.Ala549= (NM_001178129.2); c.1827G>A (NM_012431.2).
Identifiers: ClinVar variation 1113410 (VCV001113410.10), dbSNP rs756346342, ClinGen allele CA4321890.

ClinVar aggregate classification (germline): Likely benign. Review status: criteria provided, multiple submitters, no conflicts (2 of 4 stars). 2 submissions from 2 submitters: Likely benign (2). Last evaluated 2025-11-03.

Conditions:
SEMA3E-related disorder. Also called: SEMA3E-related condition.
CHARGE syndrome (CHARGE). Also called: Hittner Hirsch Kreh syndrome; CHARGE ASSOCIATION--COLOBOMA, HEART ANOMALY, CHOANAL ATRESIA, RETARDATION, GENITAL AND EAR ANOMALIES; Coloboma, heart anomaly, choanal atresia, retardation, genital and ear anomalies; CHARGE association; Hall-Hittner syndrome. Identifiers: Orphanet 138, MedGen C0265354, MONDO:0008965.

Allele frequency attached by ClinVar (database versions not stated): gnomAD 0.00001; TOPMed 0.00001; gnomAD exomes 0.00002 and 0.00004; ExAC 0.00003.
gnomAD v4.1: 31 of 1,613,468 alleles (0.0019%); highest among the groups gnomAD compares: South Asian, 0.023%; no homozygotes.

Submissions (2):

PreventionGenetics, part of Exact Sciences
Classification: Likely benign for SEMA3E-related condition. Last evaluated: 2025-11-03. Review status: criteria provided, single submitter. Criteria: ACMG Guidelines, 2015. Collection method: clinical testing. Allele origin: germline.
Comment: This variant is classified as likely benign based on ACMG/AMP sequence variant interpretation guidelines (Richards et al. 2015 PMID: 25741868, with internal and published modifications).

Labcorp Genetics (formerly Invitae), Labcorp
Classification: Likely benign for CHARGE syndrome. Last evaluated: 2024-07-17. Review status: criteria provided, single submitter. Criteria: Invitae Variant Classification Sherloc (09022015). Collection method: clinical testing. Allele origin: germline.